The following is an entry in ClinVar:

ClinVar aggregate classification (germline): Uncertain significance (1 of 4 stars; one submission).

Submission:

Women's Health and Genetics/Laboratory Corporation of America, LabCorp
Classification: Uncertain significance. Last evaluated: 2026-01-28. Review status: criteria provided, single submitter. Criteria: LabCorp Variant Classification Summary - May 2015. Collection method: clinical testing. Allele origin: germline.
Comment: Variant summary: CENPF c.6845T>C (p.Met2282Thr) results in a non-conservative amino acid change in the encoded protein sequence. Algorithms developed to predict the effect of missense changes on protein structure and function are either unavailable or do not agree on the potential impact of this missense change. The variant allele was found at a frequency of 4e-06 in 250868 control chromosomes. The available data on variant occurrences in the general population are insufficient to allow any conclusion about variant significance. To our knowledge, no occurrence of c.6845T>C in individuals affected with CENPF-related conditions and no experimental evidence demonstrating its impact on protein function have been reported. No submitters have cited clinical-significance assessments for this variant to ClinVar. Based on the evidence outlined above, the variant was classified as uncertain significance.

NM_016343.4(CENPF):c.6845T>C (p.Met2282Thr)

Gene: CENPF (centromere protein F; plus strand). Cytogenetic location: 1q41.
Variant type: single nucleotide variant.
Coding change: c.6845T>C on transcript NM_016343.4 (MANE Select); coding-DNA position 6845, T replaced by C.
Protein change: p.Met2282Thr; replaces methionine 2282 with threonine.
Molecular consequence: missense variant.
Genome position (GRCh38, 1-based): chr1:214,646,415, T>C. VCF-style: chr1-214646415-T-C. GRCh37 (hg19) VCF-style: chr1-214819758-T-C.
Other names: short protein forms M2282T.
Identifiers: ClinVar variation 4689129 (VCV004689129.1).